The following is an entry in ClinVar:

ClinVar aggregate classification (germline): Likely benign. Review status: criteria provided, multiple submitters, no conflicts (2 of 4 stars). 2 submissions from 2 submitters: Likely benign (2). Last evaluated 2018-01-13.

Conditions:
Desmosterolosis. Identifiers: Orphanet 35107, MedGen C1865596, MONDO:0011217, OMIM 602398.

Allele frequency attached by ClinVar (database versions not stated): 1000 Genomes Project 30x 0.00359; gnomAD 0.00518 and 0.00523; 1000 Genomes Project 0.00379; TOPMed 0.00558.
gnomAD v4.1: 8,380 of 1,428,572 alleles (0.59%); highest among the groups gnomAD compares: Middle Eastern, 1.3%; 34 homozygotes.

Submissions (2):

Illumina Laboratory Services, Illumina
Classification: Likely benign for Desmosterolosis. Last evaluated: 2018-01-13. Review status: criteria provided, single submitter. Criteria: ICSL Variant Classification Criteria 13 December 2019. Collection method: clinical testing. Allele origin: germline.
Comment: This variant was observed in the ICSL laboratory as part of a predisposition screen in an ostensibly healthy population. It had not been previously curated by ICSL or reported in the Human Gene Mutation Database (HGMD: prior to June 1st, 2018), and was therefore a candidate for classification through an automated scoring system. Utilizing variant allele frequency, disease prevalence and penetrance estimates, and inheritance mode, an automated score was calculated to assess if this variant is too frequent to cause the disease. Based on the score and internal cut-off values, a variant classified as likely benign is not then subjected to further curation. The score for this variant resulted in a classification of likely benign for this disease.

Breakthrough Genomics
Classification: Likely benign. Review status: criteria provided, single submitter. Criteria: ACMG Guidelines, 2015. Collection method: not provided. Allele origin: germline. Inheritance: Autosomal recessive inheritance. Affected: yes.

NM_014762.4(DHCR24):c.*102C>T

Gene: DHCR24 (24-dehydrocholesterol reductase; minus strand). Cytogenetic location: 1p32.3.
Variant type: single nucleotide variant.
Coding change: c.*102C>T on transcript NM_014762.4 (MANE Select); 102 bases downstream of the stop codon, C replaced by T.
Molecular consequence: 3 prime UTR variant.
Genome position (GRCh38, 1-based): chr1:54,852,131, G>A on the plus strand (C>T on the coding strand, the complement: DHCR24 is on the minus strand). VCF-style: chr1-54852131-G-A. GRCh37 (hg19) VCF-style: chr1-55317804-G-A.
Identifiers: ClinVar variation 297651 (VCV000297651.6), dbSNP rs114267476, ClinGen allele CA10610465.